The following is an entry in ClinVar:

NM_033028.5(BBS4):c.157-2A>G

Gene: BBS4 (Bardet-Biedl syndrome 4; plus strand). Cytogenetic location: 15q24.1.
Variant type: single nucleotide variant.
Coding change: c.157-2A>G on transcript NM_033028.5 (MANE Select); the canonical splice acceptor site of the intron before coding-DNA position 157, A replaced by G.
Molecular consequence: splice acceptor variant.
Genome position (GRCh38, 1-based): chr15:72,712,242, A>G. VCF-style: chr15-72712242-A-G. GRCh37 (hg19) VCF-style: chr15-73004583-A-G.
Other names: IVS3, A-G, -2; NM_033028.3:IVS3-2A>G; c.157-2A>G (NM_001320665.2, NM_001320665.1); c.-365-2A>G (NM_001252678.2).
Identifiers: ClinVar variation 9147 (VCV000009147.20), dbSNP rs113994192, ClinGen allele CA254671.

ClinVar aggregate classification (germline): Pathogenic. Review status: criteria provided, multiple submitters, no conflicts (2 of 4 stars). 7 submissions from 7 submitters: Pathogenic (5). 2 of the submissions do not count toward it. Last evaluated 2026-07-27.

Conditions:
BBS4-related disorder. Also called: BBS4-related condition.
Bardet-Biedl syndrome (BBS). Identifiers: Orphanet 110, MedGen C0752166, MONDO:0015229.
Bardet-Biedl syndrome 4 (BBS4). Identifiers: Orphanet 110, MedGen C2936864, MONDO:0014433, OMIM 615982.

Allele frequency attached by ClinVar (database versions not stated): gnomAD exomes below 0.00001; ExAC 0.00001.
gnomAD v4.1: 2 of 1,613,740 alleles (0.00012%); highest among the groups gnomAD compares: Admixed American, 0.0017%; no homozygotes.

Submissions (7):

PreventionGenetics, part of Exact Sciences
Classification: Pathogenic for BBS4-related condition. Last evaluated: 2026-07-27. Review status: criteria provided, single submitter. Criteria: ACMG Guidelines, 2015. Collection method: clinical testing. Allele origin: germline.
Comment: The BBS4 c.157-2A>G variant is predicted to disrupt the AG splice acceptor site and interfere with normal splicing. This variant, which has been reported as IVS3-2A>G and c.178-2A>G, was reported in the homozygous state in individuals affected with Bardet-Biedl syndrome (Katsanis et al 2002. PubMed ID: 12016587; Abu Safieh et al. 2010. PubMed ID: 19858128; Abu-Safieh et al 2013. PubMed ID: 23105016). This variant was shown to result in exon skipping of exon 4, which is predicted to result in a frameshift and premature protein truncation (Abu Safieh et al. 2010. PubMed ID: 19858128). This variant is reported in 0.0029% of alleles in individuals of Latino descent in gnomAD. Variants that disrupt the consensus splice acceptor site in BBS4 are expected to be pathogenic. This variant is interpreted as pathogenic.

Genomic Medicine Center of Excellence, King Faisal Specialist Hospital and Research Centre
Classification: Pathogenic for Bardet-Biedl syndrome 4. Last evaluated: 2024-03-17. Review status: criteria provided, single submitter. Criteria: ACMG Guidelines, 2015. Collection method: research. Allele origin: germline.

Labcorp Genetics (formerly Invitae), Labcorp
Classification: Pathogenic for Bardet-Biedl syndrome. Last evaluated: 2023-08-05. Review status: criteria provided, single submitter. Criteria: Invitae Variant Classification Sherloc (09022015). Collection method: clinical testing. Allele origin: germline.
Comment: Algorithms developed to predict the effect of sequence changes on RNA splicing suggest that this variant may disrupt the consensus splice site. This sequence change affects an acceptor splice site in intron 3 of the BBS4 gene. It is expected to disrupt RNA splicing. Variants that disrupt the donor or acceptor splice site typically lead to a loss of protein function (PMID: 16199547), and loss-of-function variants in BBS4 are known to be pathogenic (PMID: 11381270, 12016587, 20177705, 27894351). This variant is present in population databases (rs113994192, gnomAD 0.003%). Disruption of this splice site has been observed in individuals with Bardet-Biedl syndrome (PMID: 12016587, 19858128). It has also been observed to segregate with disease in related individuals. This variant is also known as IVS3-2A>G or c.178-2A>G. ClinVar contains an entry for this variant (Variation ID: 9147). For these reasons, this variant has been classified as Pathogenic.

Revvity Omics, Revvity
Classification: Pathogenic for Bardet-Biedl syndrome 4. Last evaluated: 2020-07-08. Review status: criteria provided, single submitter. Criteria: ACMG Guidelines, 2015. Collection method: clinical testing. Allele origin: germline.

Baylor Genetics
Classification: Pathogenic for Bardet-Biedl syndrome 4. Last evaluated: 2019-10-31. Review status: criteria provided, single submitter. Criteria: ACMG Guidelines, 2015. Collection method: clinical testing. Allele origin: unknown. Affected: yes.
Comment: This variant was determined to be pathogenic according to ACMG Guidelines, 2015 [PMID:25741868].

GeneReviews
Classification: Pathogenic for Bardet-Biedl Syndrome. Last evaluated: 2009-10-13. Review status: no assertion criteria provided. Collection method: curation. Allele origin: unknown. Not counted in ClinVar's aggregate classification.
ClinVar note: Converted during submission from pathologic to Pathogenic.

OMIM
Classification: Pathogenic for BARDET-BIEDL SYNDROME 4. Last evaluated: 2002-07-01. Review status: no assertion criteria provided. Collection method: literature only. Allele origin: germline. Not counted in ClinVar's aggregate classification.

Literature cited by the submitters: PubMed 16199547 (cited by Labcorp Genetics (formerly Invitae), Labcorp); PubMed 11381270 (cited by Labcorp Genetics (formerly Invitae), Labcorp); PubMed 12016587 (cited by Labcorp Genetics (formerly Invitae), Labcorp and OMIM); PubMed 20177705 (cited by Labcorp Genetics (formerly Invitae), Labcorp); PubMed 27894351 (cited by Labcorp Genetics (formerly Invitae), Labcorp); PubMed 19858128 (cited by Labcorp Genetics (formerly Invitae), Labcorp); PubMed 388431 (cited by OMIM).